The following is an entry in ClinVar:

ClinVar aggregate classification (germline): Conflicting classifications of pathogenicity. Review status: criteria provided, conflicting classifications (1 of 4 stars). 2 submissions from 2 submitters: Pathogenic (1); Uncertain significance (1). Last evaluated 2024-10-10.

Conditions:
Intestinal hypomagnesemia 1. Also called: HYPOMAGNESEMIA, INTESTINAL, WITH SECONDARY HYPOCALCEMIA; HYPOMAGNESEMIC TETANY. Identifiers: Orphanet 30924, MedGen C1865974, MONDO:0011176, OMIM 602014.

gnomAD v4.1: 1 of 1,613,962 alleles (0.000062%); highest among the groups gnomAD compares: Non-Finnish European, 0.000085%; no homozygotes.

Submissions (2):

Victorian Clinical Genetics Services, Murdoch Childrens Research Institute
Classification: Pathogenic for Intestinal hypomagnesemia 1. Last evaluated: 2024-10-10. Review status: criteria provided, single submitter. Criteria: ACMG Guidelines, 2015. Collection method: clinical testing. Allele origin: germline. Inheritance: Autosomal recessive inheritance.
Comment: A heterozygous nonsense variant, NM_017662.4(TRPM6):c.4710G>A, has been identified in exon 27 of 39 of the TRPM6 gene. The variant is predicted to result in a premature stop codon at position 1570 of the protein (NP_060132.3(TRPM6):p.(Trp1570*)), likely causing nonsense mediated decay, which is a reported mechanism of pathogenicity for this gene. The variant is absent in gnomAD population database. This variant has not been previously reported in clinical cases. Other variants predicted to cause NMD have been reported as pathogenic in individuals with Hypomagnesemia 1, intestinal (ClinVar). Based on the information available at the time of curation, this variant has been classified as PATHOGENIC.

Kids Neuroscience Centre, Sydney Children's Hospitals Network
Classification: Uncertain significance for Intestinal hypomagnesemia 1. Review status: criteria provided, single submitter. Criteria: Bournazos AM et al. (Genet Med 2021). Collection method: clinical testing. Allele origin: maternal, unknown. Inheritance: Autosomal recessive inheritance. Affected: yes and no. Observed: 2 heterozygotes.

NM_017662.5(TRPM6):c.4710G>A (p.Trp1570Ter)

Gene: TRPM6 (transient receptor potential cation channel subfamily M member 6; minus strand). Cytogenetic location: 9q21.13.
Variant type: single nucleotide variant.
Coding change: c.4710G>A on transcript NM_017662.5 (MANE Select); coding-DNA position 4710, G replaced by A.
Protein change: p.Trp1570Ter; replaces tryptophan 1570 with a stop codon.
Molecular consequence: nonsense.
Genome position (GRCh38, 1-based): chr9:74,761,771, C>T on the plus strand (G>A on the coding strand, the complement: TRPM6 is on the minus strand). VCF-style: chr9-74761771-C-T. GRCh37 (hg19) VCF-style: chr9-77376687-C-T.
Other names: c.4695G>A, p.Trp1565Ter (NM_001177310.2, NM_001177311.2); short protein forms W1565*, W1570*.
Identifiers: ClinVar variation 1064592 (VCV001064592.4), dbSNP rs2118838012, ClinGen allele CA373684052.
Genomic context (GRCh38, chr9:74,761,771, plus strand): 5'-TTGAGTATTCTTCTTTTTCTTTGACAGTCTCCTGTCTTTGGTTAGCATTTTCGCTTTGAC[C>T]CATGCTCCCTGCCCTATTTCTGAAGAGCCTGAAAGATCTGCAAGGAAATGGTCTACATGA-3'